The following is an entry in ClinVar:

ClinVar aggregate classification (germline): Likely benign. Review status: criteria provided, multiple submitters, no conflicts (2 of 4 stars). 3 submissions from 3 submitters: Likely benign (3). Last evaluated 2025-07-07.

Allele frequency attached by ClinVar (database versions not stated): ESP Exome Variant Server 0.00008; ExAC 0.00009; TOPMed 0.00011; gnomAD exomes 0.00012; gnomAD 0.00013 and 0.00014.
gnomAD v4.1: 438 of 1,612,908 alleles (0.027%); highest among the groups gnomAD compares: Non-Finnish European, 0.035%; no homozygotes.

Submissions (3):

Labcorp Genetics (formerly Invitae), Labcorp
Classification: Likely benign. Last evaluated: 2025-07-07. Review status: criteria provided, single submitter. Criteria: Invitae Variant Classification Sherloc (09022015). Collection method: clinical testing. Allele origin: germline.

Blueprint Genetics
Classification: Likely benign. Last evaluated: 2024-10-14. Review status: criteria provided, single submitter. Criteria: ACMG Guidelines, 2015. Collection method: clinical testing. Allele origin: germline.

CeGaT Center for Human Genetics Tuebingen
Classification: Likely benign. Last evaluated: 2023-12-01. Review status: criteria provided, single submitter. Criteria: CeGaT Center For Human Genetics Tuebingen Variant Classification Criteria Version 2. Collection method: clinical testing. Allele origin: germline. Affected: yes. Observed: 1 variant allele.
Comment: IGF2: BP4, BP7

NM_000612.6(IGF2):c.270C>T (p.Ser90=)

Genes: IGF2 (insulin like growth factor 2; minus strand), INS-IGF2 (INS-IGF2 readthrough; minus strand). Cytogenetic location: 11p15.5.
Variant type: single nucleotide variant.
Coding change: c.270C>T on transcript NM_000612.6 (MANE Select); coding-DNA position 270, C replaced by T.
Protein change: p.Ser90=; no amino-acid change (serine 90 retained).
Molecular consequence: synonymous variant. On other transcripts: non-coding transcript variant (1).
Genome position (GRCh38, 1-based): chr11:2,133,553, G>A on the plus strand (C>T on the coding strand, the complement: IGF2 is on the minus strand). VCF-style: chr11-2133553-G-A. GRCh37 (hg19) VCF-style: chr11-2154783-G-A.
Other names: c.270C>T, p.Ser90= (NM_001007139.6, NM_001291861.3, NM_001291862.3); c.438C>T, p.Ser146= (NM_001127598.3).
Identifiers: ClinVar variation 1597228 (VCV001597228.31), dbSNP rs373036890, ClinGen allele CA5817662.